The following is an entry in ClinVar:

ClinVar aggregate classification (germline): Benign/Likely benign. Review status: criteria provided, multiple submitters, no conflicts (2 of 4 stars). 3 submissions from 3 submitters: Benign (1); Likely benign (2). Last evaluated 2026-01-30.

Conditions:
Tuberous sclerosis 2 (TSC2). Identifiers: Orphanet 805, MedGen C1860707, MONDO:0013199, OMIM 613254.
Hereditary cancer-predisposing syndrome. Also called: Neoplastic Syndromes, Hereditary; Tumor predisposition; Hereditary neoplastic syndrome; Hereditary Cancer Syndrome. Identifiers: Orphanet 140162, MedGen C0027672, MeSH D009386, MONDO:0015356.

Submissions (3):

Labcorp Genetics (formerly Invitae), Labcorp
Classification: Likely benign for Tuberous sclerosis 2. Last evaluated: 2026-01-30. Review status: criteria provided, single submitter. Criteria: Invitae Variant Classification Sherloc (09022015). Collection method: clinical testing. Allele origin: germline.

Ambry Genetics
Classification: Likely benign for Hereditary cancer-predisposing syndrome. Last evaluated: 2026-01-19. Review status: criteria provided, single submitter. Criteria: Ambry Variant Classification Scheme 2023. Collection method: clinical testing. Allele origin: germline.

Myriad Genetics, Inc.
Classification: Benign for Tuberous sclerosis 2. Last evaluated: 2025-05-27. Review status: criteria provided, single submitter. Criteria: Myriad Autosomal Dominant, Autosomal Recessive and X-Linked Classification Criteria (2023). Collection method: clinical testing. Allele origin: unknown.
Comment: This variant is considered benign. This variant is a silent/synonymous amino acid change and it is not expected to impact splicing.

NM_000548.5(TSC2):c.3045G>A (p.Leu1015=)

Gene: TSC2 (TSC complex subunit 2; plus strand). Cytogenetic location: 16p13.3.
Variant type: single nucleotide variant.
Coding change: c.3045G>A on transcript NM_000548.5 (MANE Select); coding-DNA position 3045, G replaced by A.
Protein change: p.Leu1015=; no amino-acid change (leucine 1015 retained).
Molecular consequence: synonymous variant. On other transcripts: non-coding transcript variant (5).
Genome position (GRCh38, 1-based): chr16:2,079,110, G>A. VCF-style: chr16-2079110-G-A. GRCh37 (hg19) VCF-style: chr16-2129111-G-A.
Other names: c.2913G>A, p.Leu971= (NM_001077183.3, NM_001370404.1, NM_001406665.1); c.3045G>A, p.Leu1015= (NM_001114382.3); c.2805G>A, p.Leu935= (NM_001318827.2); c.2769G>A, p.Leu923= (NM_001318829.2); c.2313G>A, p.Leu771= (NM_001318831.2, NM_001406687.1, NM_001406688.1); c.2946G>A, p.Leu982= (NM_001318832.2); c.2916G>A, p.Leu972= (NM_001363528.2, NM_001370405.1, NM_021055.3); c.3042G>A, p.Leu1014= (NM_001406663.1, NM_001406664.1); and 18 more.
Identifiers: ClinVar variation 4071343 (VCV004071343.3).
Genomic context (GRCh38, chr16:2,079,110, plus strand): 5'-CACCAGTGCCAGCTTGGGGTCTGCAGATGAGAACTCCGTGGCCCAGGCTGACGATAGCCT[G>A]AAAAACCTCCACCTGGAGCTCACGGAAACCTGTCTGGACATGATGGCTCGATACGTCTTC-3'
Protein context (NP_000539.2, residues 1005-1025): ENSVAQADDS[Leu1015=]KNLHLELTET